The following is an entry in ClinVar:

NM_006440.5(TXNRD2):c.1446-203G>A

Gene: TXNRD2 (thioredoxin reductase 2; minus strand). Cytogenetic location: 22q11.21.
Variant type: single nucleotide variant.
Coding change: c.1446-203G>A on transcript NM_006440.5 (MANE Select); 203 bases into the intron before coding-DNA position 1446, G replaced by A.
Molecular consequence: intron variant.
Genome position (GRCh38, 1-based): chr22:19,877,437, C>T on the plus strand (G>A on the coding strand, the complement: TXNRD2 is on the minus strand). VCF-style: chr22-19877437-C-T. GRCh37 (hg19) VCF-style: chr22-19864960-C-T.
Other names: c.1443-203G>A (NM_001352300.2); c.1158-203G>A (NM_001352302.2); c.1356-203G>A (NM_001352301.2).
Identifiers: ClinVar variation 678670 (VCV000678670.1), dbSNP rs73381892, ClinGen allele CA322075088.

ClinVar aggregate classification (germline): Benign (1 of 4 stars; one submission).

Allele frequency attached by ClinVar (database versions not stated): gnomAD 0.03643 and 0.03871; TOPMed 0.04109; 1000 Genomes Project 0.04513; 1000 Genomes Project 30x 0.04622.
gnomAD v4.1: 5,478 of 152,198 alleles (3.6%); highest among the groups gnomAD compares: African/African-American, 12%; 334 homozygotes.

Submission:

GeneDx
Classification: Benign. Last evaluated: 2018-06-14. Review status: criteria provided, single submitter. Criteria: GeneDx Variant Classification (06012015). Collection method: clinical testing. Allele origin: germline. Affected: yes.
Comment: This variant is considered likely benign or benign based on one or more of the following criteria: it is a conservative change, it occurs at a poorly conserved position in the protein, it is predicted to be benign by multiple in silico algorithms, and/or has population frequency not consistent with disease.